The following is an entry in ClinVar:

ClinVar aggregate classification (germline): Conflicting classifications of pathogenicity. Review status: criteria provided, conflicting classifications (1 of 4 stars). 8 submissions from 7 submitters: Uncertain significance (7); Benign (1). Last evaluated 2025-11-05.

Conditions:
Cardiovascular phenotype. Identifiers: MedGen CN230736.
Hereditary cancer-predisposing syndrome. Also called: Tumor predisposition; Hereditary Cancer Syndrome; Hereditary neoplastic syndrome; Neoplastic Syndromes, Hereditary. Identifiers: Orphanet 140162, MedGen C0027672, MeSH D009386, MONDO:0015356.
Neurofibromatosis, type 1 (NF1). Also called: VON RECKLINGHAUSEN DISEASE; NEUROFIBROMATOSIS, TYPE I, SOMATIC; Peripheral type neurofibromatosis; Neurofibromatosis, type I. Identifiers: Orphanet 636, MedGen C0027831, MONDO:0018975, OMIM 162200. Disease mechanism: loss of function.
Neurofibromatosis, familial spinal (FSNF). Identifiers: Orphanet 636, MedGen C1834235, MONDO:0008078, OMIM 162210. Disease mechanism: loss of function.
Juvenile myelomonocytic leukemia (JMML). Also called: LEUKEMIA, JUVENILE MYELOMONOCYTIC, SOMATIC. Identifiers: Orphanet 86834, MedGen C0349639, MONDO:0011908, OMIM 607785, HP:0012209.
Neurofibromatosis-Noonan syndrome (NFNS). Also called: NEUROFIBROMATOSIS WITH NOONAN PHENOTYPE. Identifiers: Orphanet 638, MedGen C2931482, MONDO:0011035, OMIM 601321. Disease mechanism: loss of function.
Café-au-lait macules with pulmonary stenosis (WTSN). Also called: PULMONIC STENOSIS WITH CAFE-AU-LAIT SPOTS. Identifiers: MedGen C0553586, MONDO:0008672, OMIM 193520.

Allele frequency attached by ClinVar (database versions not stated): ExAC 0.00001; gnomAD exomes 0.00001 and 0.00002.

Submissions (8):

Labcorp Genetics (formerly Invitae), Labcorp
Classification: Benign for Neurofibromatosis, type 1. Last evaluated: 2025-11-05. Review status: criteria provided, single submitter. Criteria: Invitae Variant Classification Sherloc (09022015). Collection method: clinical testing. Allele origin: germline.

Ambry Genetics
Classification: Uncertain significance for Cardiovascular phenotype; Hereditary cancer-predisposing syndrome. Last evaluated: 2025-01-17. Review status: criteria provided, single submitter. Criteria: Ambry Variant Classification Scheme 2023. Collection method: clinical testing. Allele origin: germline.

Fulgent Genetics
Classification: Uncertain significance for Neurofibromatosis, type 1; Neurofibromatosis, familial spinal; Café-au-lait macules with pulmonary stenosis; Neurofibromatosis-Noonan syndrome; Juvenile myelomonocytic leukemia. Last evaluated: 2024-05-23. Review status: criteria provided, single submitter. Criteria: ACMG Guidelines, 2015. Collection method: clinical testing. Allele origin: germline.

Genome-Nilou Lab
Classification: Uncertain significance for Neurofibromatosis, type 1. Last evaluated: 2022-03-15. Review status: criteria provided, single submitter. Criteria: ACMG Guidelines, 2015. Collection method: clinical testing. Allele origin: germline. Affected: no.

Sema4
Classification: Uncertain significance for Hereditary cancer-predisposing syndrome. Last evaluated: 2022-02-10. Review status: criteria provided, single submitter. Criteria: Sema4 Curation Guidelines. Collection method: curation. Allele origin: germline.
Comment: The NF1 c.529A>G (p.I177V) variant has been reported in at least one individual with adenomatous polyps and colorectal cancer (PMID: 25938944). Additionally, it was reported in a large case-control study in 4/60466 breast cancer cases and in 3/53461 controls (PMID 33471991). It was observed in 4/113558 chromosomes of the Non-Finnish European subpopulation in the large and broad cohorts of the Genome Aggregation Database (PMID: 32461654). The variant has been reported in ClinVar (Variation ID 233278). Functional studies have not been performed, and in silico predictions of the variant's effect on protein function are inconclusive. The evidence is insufficient to meet ACMG/AMP criteria for classifying the variant as benign or pathogenic. Thus, the clinical significance of this variant is currently uncertain.

GeneDx
Classification: Uncertain significance. Last evaluated: 2021-11-29. Review status: criteria provided, single submitter. Criteria: GeneDx Variant Classification Process June 2021. Collection method: clinical testing. Allele origin: germline. Affected: yes.
Comment: In silico analysis supports that this missense variant does not alter protein structure/function; Has not been previously published as pathogenic or benign to our knowledge; This variant is associated with the following publications: (PMID: 25589003)

PreventionGenetics, part of Exact Sciences
Classification: Uncertain significance. Last evaluated: 2016-12-16. Review status: criteria provided, single submitter. Criteria: ACMG Guidelines, 2015. Collection method: clinical testing. Allele origin: germline.

Ambry Genetics
Classification: Uncertain significance for Hereditary cancer-predisposing syndrome. Last evaluated: 2015-08-08. Review status: criteria provided, single submitter. Criteria: Ambry Autosomal Dominant and X-Linked criteria (10/2015). Collection method: clinical testing. Allele origin: germline. Observed: 1 variant allele.
Comment: The p.I177V variant (also known as c.529A>G), located in coding exon 5 of the NF1 gene, results from an A to G substitution at nucleotide position 529. The isoleucine at codon 177 is replaced by valine, an amino acid with highly similar properties. This variant was not reported in population based cohorts in the following databases: Database of Single Nucleotide Polymorphisms (dbSNP), NHLBI Exome Sequencing Project (ESP), and 1000 Genomes Project. In the ESP, this variant was not observed in 6502 samples (13004 alleles) with coverage at this position. To date, this alteration has been detected with an allele frequency of approximately 0.002% (greater than 55,000alleles tested) in our clinical cohort.This amino acid position is well conserved in available vertebrate species. In addition, the in silico prediction for this alteration is inconclusive.<span style="font-family:arial,sans-serif; font-size:9pt">Since supporting evidence is limited at this time, the clinical significance of p.I177V<span style="font-family:arial,sans-serif; font-size:9pt"> remains unclear.

Literature cited by the submitters: PubMed 25938944 (cited by Sema4); PubMed 33471991 (cited by Sema4).

NM_001042492.3(NF1):c.529A>G (p.Ile177Val)

Gene: NF1 (neurofibromin 1; plus strand). Cytogenetic location: 17q11.2.
Variant type: single nucleotide variant.
Coding change: c.529A>G on transcript NM_001042492.3 (MANE Select); coding-DNA position 529, A replaced by G.
Protein change: p.Ile177Val; replaces isoleucine 177 with valine.
Molecular consequence: missense variant.
Genome position (GRCh38, 1-based): chr17:31,169,940, A>G. VCF-style: chr17-31169940-A-G. GRCh37 (hg19) VCF-style: chr17-29496958-A-G.
Other names: c.529A>G, p.Ile177Val (NM_000267.4, NM_001128147.3); short protein forms I177V.
Identifiers: ClinVar variation 233278 (VCV000233278.18), dbSNP rs766213678, ClinGen allele CA8485552.